The following is an entry in ClinVar:

ClinVar aggregate classification (germline): Likely benign (1 of 4 stars; one submission).

gnomAD v4.1: 227 of 398,624 alleles (0.057%); highest among the groups gnomAD compares: Middle Eastern, 0.25%; no homozygotes.

Submission:

CeGaT Center for Human Genetics Tuebingen
Classification: Likely benign. Last evaluated: 2026-09-01. Review status: criteria provided, single submitter. Criteria: CeGaT Center For Human Genetics Tuebingen Variant Classification Criteria Version 2. Collection method: clinical testing. Allele origin: germline. Affected: yes. Observed: 1 variant allele.
Comment: KCNQ1OT1: BS1

NM_000218.3(KCNQ1):c.1514+32571C>T

Genes: KCNQ1 (potassium voltage-gated channel subfamily Q member 1; plus strand), KCNQ1OT1 (KCNQ1 opposite strand/antisense transcript 1; minus strand). Cytogenetic location: 11p15.5.
Variant type: single nucleotide variant.
Coding change: c.1514+32571C>T on transcript NM_000218.3 (MANE Select); 32571 bases into the intron after coding-DNA position 1514, C replaced by T.
Molecular consequence: intron variant. On other transcripts: non-coding transcript variant (1).
Genome position (GRCh38, 1-based): chr11:2,694,652, C>T. VCF-style: chr11-2694652-C-T. GRCh37 (hg19) VCF-style: chr11-2715882-C-T.
Other names: c.1244+32571C>T (NM_001406837.1); c.1418+32571C>T (NM_001406836.1); c.974+32571C>T (NM_001406838.1); c.1133+32571C>T (NM_181798.2).
Identifiers: ClinVar variation 5041292 (VCV005041292.1).
Genomic context (GRCh38, chr11:2,694,652, plus strand): 5'-CCTGGCCTCTTCCTTCGTTCAATAAATGAATGAAACCATTCAACAGAAATCTGTGACACA[C>T]CCACCATGTGCGGACCCTATACGGAAGACAGATATGCTCTCTTGGGGCCTCTCTTCCGGT-3'